The following is an entry in ClinVar:

NM_001206979.2(NR1H4):c.658G>T (p.Ala220Ser)

Gene: NR1H4 (nuclear receptor subfamily 1 group H member 4; plus strand). Cytogenetic location: 12q23.1.
Variant type: single nucleotide variant.
Coding change: c.658G>T on transcript NM_001206979.2 (MANE Select); coding-DNA position 658, G replaced by T.
Protein change: p.Ala220Ser; replaces alanine 220 with serine.
Molecular consequence: missense variant. On other transcripts: non-coding transcript variant (1).
Genome position (GRCh38, 1-based): chr12:100,534,949, G>T. VCF-style: chr12-100534949-G-T. GRCh37 (hg19) VCF-style: chr12-100928727-G-T.
Other names: c.646G>T (NM_005123.3); c.658G>T, p.Ala220Ser (NM_001206977.2); c.505G>T, p.Ala169Ser (NM_001206978.2); c.676G>T, p.Ala226Ser (NM_001206992.2); c.688G>T, p.Ala230Ser (NM_001206993.2); c.646G>T, p.Ala216Ser (NM_005123.4); short protein forms A220S, A216S, A230S, A169S, A226S.
Identifiers: ClinVar variation 593058 (VCV000593058.7), dbSNP rs180957965, ClinGen allele CA6739296.

ClinVar aggregate classification (germline): Uncertain significance. Review status: criteria provided, single submitter (1 of 4 stars). 2 submissions from 2 submitters: Uncertain significance (1). 1 of the submissions does not count toward it. Last evaluated 2018-08-27.

Conditions:
NR1H4-related disorder. Also called: NR1H4-related condition.

Allele frequency attached by ClinVar (database versions not stated): gnomAD exomes 0.00007 and 0.00017; TOPMed 0.00013; ExAC 0.00018; 1000 Genomes Project 30x 0.00062; 1000 Genomes Project 0.00080.
gnomAD v4.1: 134 of 1,614,216 alleles (0.0083%); highest among the groups gnomAD compares: East Asian, 0.1%; 2 homozygotes.

Submissions (2):

Eurofins Ntd Llc (ga)
Classification: Uncertain significance. Last evaluated: 2018-08-27. Review status: criteria provided, single submitter. Criteria: EGL ClinVar v180209 classification definitions. Collection method: clinical testing. Allele origin: germline. Observed: 2 variant alleles, 2 heterozygotes.

PreventionGenetics, part of Exact Sciences
Classification: Likely benign for NR1H4-related condition. Last evaluated: 2024-09-19. Review status: no assertion criteria provided. Collection method: clinical testing. Allele origin: germline. Not counted in ClinVar's aggregate classification.
Comment: This variant is classified as likely benign based on ACMG/AMP sequence variant interpretation guidelines (Richards et al. 2015 PMID: 25741868, with internal and published modifications).